The following is an entry in ClinVar:

ClinVar aggregate classification (germline): Uncertain significance (1 of 4 stars; one submission).

Conditions:
Orofacial-digital syndrome IV (OFD4). Also called: BARAITSER-BURN SYNDROME; OFD SYNDROME WITH TIBIAL DEFECTS; OFD SYNDROME, BARAITSER-BURN TYPE; OFDS IV; ORAL-FACIAL-DIGITAL SYNDROME, TYPE IV; MOHR-MAJEWSKI SYNDROME. Identifiers: Orphanet 2753, MedGen C0406727, MONDO:0009794, OMIM 258860.
Joubert syndrome 18 (JBTS18). Identifiers: Orphanet 2754, MedGen C3553758, MONDO:0013896, OMIM 614815.

Allele frequency attached by ClinVar (database versions not stated): ExAC 0.00002; gnomAD exomes 0.00002 and 0.00001; gnomAD 0.00001; TOPMed 0.00002.
gnomAD v4.1: 12 of 1,614,010 alleles (0.00074%); highest among the groups gnomAD compares: Admixed American, 0.013%; no homozygotes.

Submission:

Labcorp Genetics (formerly Invitae), Labcorp
Classification: Uncertain significance for Joubert syndrome 18; Orofacial-digital syndrome IV. Last evaluated: 2025-01-06. Review status: criteria provided, single submitter. Criteria: Invitae Variant Classification Sherloc (09022015). Collection method: clinical testing. Allele origin: germline.
Comment: This sequence change replaces methionine, which is neutral and non-polar, with valine, which is neutral and non-polar, at codon 295 of the TCTN3 protein (p.Met295Val). This variant is present in population databases (rs746046233, gnomAD 0.01%). This variant has not been reported in the literature in individuals affected with TCTN3-related conditions. ClinVar contains an entry for this variant (Variation ID: 1056055). Invitae Evidence Modeling of protein sequence and biophysical properties (such as structural, functional, and spatial information, amino acid conservation, physicochemical variation, residue mobility, and thermodynamic stability) indicates that this missense variant is not expected to disrupt TCTN3 protein function with a negative predictive value of 80%. In summary, the available evidence is currently insufficient to determine the role of this variant in disease. Therefore, it has been classified as a Variant of Uncertain Significance.

NM_015631.6(TCTN3):c.883A>G (p.Met295Val)

Gene: TCTN3 (tectonic family member 3; minus strand). Cytogenetic location: 10q24.1.
Variant type: single nucleotide variant.
Coding change: c.883A>G on transcript NM_015631.6 (MANE Select); coding-DNA position 883, A replaced by G.
Protein change: p.Met295Val; replaces methionine 295 with valine.
Molecular consequence: missense variant.
Genome position (GRCh38, 1-based): chr10:95,686,500, T>C on the plus strand (A>G on the coding strand, the complement: TCTN3 is on the minus strand). VCF-style: chr10-95686500-T-C. GRCh37 (hg19) VCF-style: chr10-97446257-T-C.
Other names: c.646A>G, p.Met216Val (NM_001143973.2); short protein forms M216V, M295V.
Identifiers: ClinVar variation 1056055 (VCV001056055.5), dbSNP rs746046233, ClinGen allele CA5621031.